The following is an entry in ClinVar:

NM_007294.4(BRCA1):c.262A>G (p.Lys88Glu)

Gene: BRCA1 (BRCA1 DNA repair associated; minus strand). Cytogenetic location: 17q21.31.
Variant type: single nucleotide variant.
Coding change: c.262A>G on transcript NM_007294.4 (MANE Select); coding-DNA position 262, A replaced by G.
Protein change: p.Lys88Glu; replaces lysine 88 with glutamic acid.
Molecular consequence: missense variant. On other transcripts: non-coding transcript variant (1).
Genome position (GRCh38, 1-based): chr17:43,104,907, T>C on the plus strand (A>G on the coding strand, the complement: BRCA1 is on the minus strand). VCF-style: chr17-43104907-T-C. GRCh37 (hg19) VCF-style: chr17-41256924-T-C.
Other names: c.52A>G, p.Lys18Glu (NM_001407571.1, NM_001407853.1, NM_001407879.1 and 58 more transcripts); c.262A>G, p.Lys88Glu (NM_001407581.1, NM_001407582.1, NM_001407583.1 and 168 more transcripts); c.184A>G, p.Lys62Glu (NM_001407653.1, NM_001407654.1, NM_001407655.1 and 21 more transcripts); c.121A>G, p.Lys41Glu (NM_001407692.1, NM_001407694.1, NM_001407695.1 and 99 more transcripts); c.-120A>G (NM_001407959.1, NM_001407960.1, NM_001407962.1 and 4 more transcripts); c.130A>G, p.Lys44Glu (NM_001408451.1); short protein forms K88E, K41E, K18E, K44E, K62E.
Identifiers: ClinVar variation 868326 (VCV000868326.3), dbSNP rs2054682199, ClinGen allele CA10601632.
Genomic context (GRCh38, chr17:43,104,907, plus strand): 5'-CTTGGGATATTCAACACTTACACTCCAAACCTGTGTCAAGCTGAAAAGCACAAATGATTT[T>C]CAATAGCTCTTCAACAAGTTGACTAAATCTCGTACTTTCTTGTAGGCTCCTGAAATTAAA-3'
Protein context (NP_009225.1, residues 78-98): RFSQLVEELL[Lys88Glu]IICAFQLDTG

Conditions:
Breast-ovarian cancer, familial, susceptibility to, 1 (BROVCA1). Also called: BRCA1 Hereditary Breast and Ovarian Cancer; OVARIAN CANCER, SUSCEPTIBILITY TO. Identifiers: Orphanet 145, MedGen C2676676, MONDO:0011450, OMIM 604370. Disease mechanism: loss of function.

Submission:

Brotman Baty Institute, University of Washington
No classification provided (evidence only). Condition: Breast-ovarian cancer, familial 1. Review status: no classification provided. Collection method: in vitro. Allele origin: not applicable. Functional consequence: functionally_normal.
ClinVar note: "not provided" was previously submitted as the classification for the variant. However, the classification appeared to be based only on an observation of functional data so it was converted to no classification on 2025-07-30.